The following is an entry in ClinVar:

NM_032638.5(GATA2):c.682C>A (p.Pro228Thr)

Gene: GATA2 (GATA binding protein 2; minus strand). Cytogenetic location: 3q21.3.
Variant type: single nucleotide variant.
Coding change: c.682C>A on transcript NM_032638.5 (MANE Select); coding-DNA position 682, C replaced by A.
Protein change: p.Pro228Thr; replaces proline 228 with threonine.
Molecular consequence: missense variant.
Genome position (GRCh38, 1-based): chr3:128,485,916, G>T on the plus strand (C>A on the coding strand, the complement: GATA2 is on the minus strand). VCF-style: chr3-128485916-G-T. GRCh37 (hg19) VCF-style: chr3-128204759-G-T.
Other names: c.682C>A, p.Pro228Thr (NM_001145661.2, NM_001145662.1); short protein forms P228T.
Identifiers: ClinVar variation 404075 (VCV000404075.11), dbSNP rs375298899, ClinGen allele CA16611247.
Genomic context (GRCh38, chr3:128,485,916, plus strand): 5'-TGGGGATGGGGTGGTGTGTAGCAGGCTGGGTGCCCATAGTAGCTAGGCCTGGGCGCAGGG[G>T]ACTGCCACTTTCCATCTTCATGCTCTCCGTCAGTGACACCTGGTACTTGACGCCGTCCTT-3'
Protein context (NP_116027.2, residues 218-238): TESMKMESGS[Pro228Thr]LRPGLATMGT

ClinVar aggregate classification (germline): Uncertain significance. Review status: criteria provided, multiple submitters, no conflicts (2 of 4 stars). 3 submissions from 3 submitters: Uncertain significance (3). Last evaluated 2025-09-03.

Conditions:
Inborn genetic diseases. Identifiers: MedGen C0950123, MeSH D030342.
Acute myeloid leukemia (AML). Also called: Leukemia, acute myeloid, somatic; Leukemia, acute myelogenous, somatic; Acute myeloid leukemia, adult; AML adult; Acute non-lymphocytic leukemia; Acute granulocytic leukemia. Identifiers: Orphanet 519, MedGen C0023467, MeSH D015470, MONDO:0018874, OMIM 601626, HP:0004808. Disease mechanism: Constitutively activated FLT3.
Deafness-lymphedema-leukemia syndrome. Also called: Emberger syndrome; Lymphedema, primary, with myelodysplasia. Identifiers: Orphanet 3226, MedGen C3279664, MONDO:0013540, OMIM 614038.
Monocytopenia with susceptibility to infections. Also called: MONOCYTOPENIA AND MYCOBACTERIAL INFECTION SYNDROME; MONOCYTOPENIA WITH SUSCEPTIBILITY TO MYCOBACTERIAL, FUNGAL, AND PAPILLOMAVIRUS INFECTIONS AND MYELODYSPLASIA; COMBINED IMMUNODEFICIENCY WITH SUSCEPTIBILITY TO MYCOBACTERIAL, VIRAL, AND FUNGAL INFECTIONS; Dendritic cell, monocyte, B lymphocyte, and natural killer lymphocyte deficiency; IMMUNODEFICIENCY 21; GATA2 DEFICIENCY. Identifiers: Orphanet 228423, MedGen C3280030, MONDO:0013607, OMIM 614172.

Allele frequency attached by ClinVar (database versions not stated): gnomAD 0.00001; ESP Exome Variant Server 0.00008.
gnomAD v4.1: 2 of 1,614,050 alleles (0.00012%); highest among the groups gnomAD compares: Non-Finnish European, 0.00017%; no homozygotes.

Submissions (3):

Ambry Genetics
Classification: Uncertain significance for Inborn genetic diseases. Last evaluated: 2025-09-03. Review status: criteria provided, single submitter. Criteria: Ambry Variant Classification Scheme 2023. Collection method: clinical testing. Allele origin: germline.
Comment: The p.P228T variant (also known as c.682C>A), located in coding exon 2 of the GATA2 gene, results from a C to A substitution at nucleotide position 682. The proline at codon 228 is replaced by threonine, an amino acid with highly similar properties. This amino acid position is well conserved in available vertebrate species. In addition, the in silico prediction for this alteration is inconclusive. Based on the available evidence, the clinical significance of this variant remains unclear.

Labcorp Genetics (formerly Invitae), Labcorp
Classification: Uncertain significance for Monocytopenia with susceptibility to infections; Deafness-lymphedema-leukemia syndrome. Last evaluated: 2024-09-23. Review status: criteria provided, single submitter. Criteria: Invitae Variant Classification Sherloc (09022015). Collection method: clinical testing. Allele origin: germline.
Comment: This sequence change replaces proline, which is neutral and non-polar, with threonine, which is neutral and polar, at codon 228 of the GATA2 protein (p.Pro228Thr). This variant is not present in population databases (gnomAD no frequency). This variant has not been reported in the literature in individuals affected with GATA2-related conditions. ClinVar contains an entry for this variant (Variation ID: 404075). Invitae Evidence Modeling of protein sequence and biophysical properties (such as structural, functional, and spatial information, amino acid conservation, physicochemical variation, residue mobility, and thermodynamic stability) has been performed for this missense variant. However, the output from this modeling did not meet the statistical confidence thresholds required to predict the impact of this variant on GATA2 protein function. In summary, the available evidence is currently insufficient to determine the role of this variant in disease. Therefore, it has been classified as a Variant of Uncertain Significance.

Baylor Genetics
Classification: Uncertain significance for Acute myeloid leukemia. Last evaluated: 2023-08-12. Review status: criteria provided, single submitter. Criteria: ACMG Guidelines, 2015. Collection method: clinical testing. Allele origin: unknown.